The following is an entry in ClinVar:

ClinVar aggregate classification (germline): Uncertain significance. Review status: criteria provided, multiple submitters, no conflicts (2 of 4 stars). 4 submissions from 4 submitters: Uncertain significance (4). Last evaluated 2024-10-22.

Conditions:
Niemann-Pick disease, type C1. Also called: NIEMANN-PICK DISEASE, VARIANT TYPE C1; NEUROVISCERAL STORAGE DISEASE WITH VERTICAL SUPRANUCLEAR OPHTHALMOPLEGIA; NIEMANN-PICK DISEASE WITH CHOLESTEROL ESTERIFICATION BLOCK; NIEMANN-PICK DISEASE WITHOUT SPHINGOMYELINASE DEFICIENCY; NIEMANN-PICK DISEASE, CHRONIC NEURONOPATHIC FORM. Identifiers: Orphanet 646, MedGen C3179455, MONDO:0009757, OMIM 257220.

Allele frequency attached by ClinVar (database versions not stated): gnomAD exomes 0.00002 and 0.00011; TOPMed 0.00005; gnomAD 0.00010; ExAC 0.00015.
gnomAD v4.1: 30 of 1,418,798 alleles (0.0021%); highest among the groups gnomAD compares: East Asian, 0.069%; no homozygotes.

Submissions (4):

Labcorp Genetics (formerly Invitae), Labcorp
Classification: Uncertain significance for Niemann-Pick disease, type C1. Last evaluated: 2024-10-22. Review status: criteria provided, single submitter. Criteria: Invitae Variant Classification Sherloc (09022015). Collection method: clinical testing. Allele origin: germline.
Comment: This sequence change replaces arginine, which is basic and polar, with glycine, which is neutral and non-polar, at codon 711 of the NPC1 protein (p.Arg711Gly). The frequency data for this variant in the population databases is considered unreliable, as metrics indicate poor data quality at this position in the gnomAD database. This variant has not been reported in the literature in individuals affected with NPC1-related conditions. ClinVar contains an entry for this variant (Variation ID: 326265). An algorithm developed to predict the effect of missense changes on protein structure and function (PolyPhen-2) suggests that this variant is likely to be disruptive. In summary, the available evidence is currently insufficient to determine the role of this variant in disease. Therefore, it has been classified as a Variant of Uncertain Significance.

Revvity Omics, Revvity
Classification: Uncertain significance for Niemann-Pick disease, type C1. Last evaluated: 2022-11-21. Review status: criteria provided, single submitter. Criteria: ACMG Guidelines, 2015. Collection method: clinical testing. Allele origin: germline.

Fulgent Genetics
Classification: Uncertain significance for Niemann-Pick disease, type C1. Last evaluated: 2021-11-01. Review status: criteria provided, single submitter. Criteria: ACMG Guidelines, 2015. Collection method: clinical testing. Allele origin: unknown.

Illumina Laboratory Services, Illumina
Classification: Uncertain significance for Niemann-Pick disease type C1. Last evaluated: 2018-01-13. Review status: criteria provided, single submitter. Criteria: ICSL Variant Classification Criteria 13 December 2019. Collection method: clinical testing. Allele origin: germline.

NM_000271.5(NPC1):c.2131A>G (p.Arg711Gly)

Gene: NPC1 (NPC intracellular cholesterol transporter 1; minus strand). Cytogenetic location: 18q11.2.
Variant type: single nucleotide variant.
Coding change: c.2131A>G on transcript NM_000271.5 (MANE Select); coding-DNA position 2131, A replaced by G.
Protein change: p.Arg711Gly; replaces arginine 711 with glycine.
Molecular consequence: missense variant.
Genome position (GRCh38, 1-based): chr18:23,543,569, T>C on the plus strand (A>G on the coding strand, the complement: NPC1 is on the minus strand). VCF-style: chr18-23543569-T-C. GRCh37 (hg19) VCF-style: chr18-21123533-T-C.
Other names: short protein forms R711G.
Identifiers: ClinVar variation 326265 (VCV000326265.10), dbSNP rs759292620, ClinGen allele CA8913197.
Genomic context (GRCh38, chr18:23,543,569, plus strand): 5'-CTTCTCCTAGGACCCTGCCCAGCTGCTGATCCAGGGTTTCCCCTTGAAGACGTTCATCTC[T>C]CTTAAAAAAAAAAAAAAAAAATTATGCGACATTAAAATTTCTCAATAACAACGCCATTTC-3'
Protein context (NP_000262.2, residues 701-721): NIFILVQAYQ[Arg711Gly]DERLQGETLD